The following is an entry in ClinVar:

NM_001365536.1(SCN9A):c.2152G>C (p.Ala718Pro)

Genes: SCN9A (sodium voltage-gated channel alpha subunit 9; minus strand), SCN1A-AS1 (SCN1A and SCN9A antisense RNA 1; plus strand). Cytogenetic location: 2q24.3.
Variant type: single nucleotide variant.
Coding change: c.2152G>C on transcript NM_001365536.1 (MANE Select); coding-DNA position 2152, G replaced by C.
Protein change: p.Ala718Pro; replaces alanine 718 with proline.
Molecular consequence: missense variant.
Genome position (GRCh38, 1-based): chr2:166,280,548, C>G on the plus strand (G>C on the coding strand, the complement: SCN9A is on the minus strand). VCF-style: chr2-166280548-C-G. GRCh37 (hg19) VCF-style: chr2-167137058-C-G.
Other names: c.2119G>C, p.Ala707Pro (NM_002977.4); short protein forms A707P, A718P.
Identifiers: ClinVar variation 3756662 (VCV003756662.2).
Genomic context (GRCh38, chr2:166,280,548, plus strand): 5'-AGATACACTTTTTGAATTTTATCCAATATGGAGAGCAATTCCAGATCAAGAATTTGTGTG[C>G]AAATCTGTACCACCAAGGTGGACATTTTTGTCTGGACTCTTCAAGTTCTGGGAGAAAAAA-3'
Protein context (NP_001352465.1, residues 708-728): QKCPPWWYRF[Ala718Pro]HKFLIWNCSP

ClinVar aggregate classification (germline): Uncertain significance (1 of 4 stars; one submission).

Conditions:
Neuropathy, hereditary sensory and autonomic, type 2A (HSAN2A). Also called: MORVAN DISEASE; NEUROPATHY, CONGENITAL SENSORY; NEUROPATHY, HEREDITARY SENSORY RADICULAR, AUTOSOMAL RECESSIVE; NEUROPATHY, HEREDITARY SENSORY, TYPE IIA; NEUROPATHY, PROGRESSIVE SENSORY, OF CHILDREN; ACROOSTEOLYSIS, GIACCAI TYPE. Identifiers: Orphanet 970, MedGen C2752089, MONDO:0024309, OMIM 201300.
Generalized epilepsy with febrile seizures plus, type 7 (GEFSP7). Also called: GEFS+, TYPE 7. Identifiers: Orphanet 36387, MedGen C2751778, MONDO:0013470, OMIM 613863.

Submission:

Labcorp Genetics (formerly Invitae), Labcorp
Classification: Uncertain significance for Neuropathy, hereditary sensory and autonomic, type 2A; Generalized epilepsy with febrile seizures plus, type 7. Last evaluated: 2025-12-01. Review status: criteria provided, single submitter. Criteria: Invitae Variant Classification Sherloc (09022015). Collection method: clinical testing. Allele origin: germline.
Comment: This sequence change replaces alanine, which is neutral and non-polar, with proline, which is neutral and non-polar, at codon 707 of the SCN9A protein (p.Ala707Pro). This variant is not present in population databases (gnomAD no frequency). This variant has not been reported in the literature in individuals affected with SCN9A-related conditions. ClinVar contains an entry for this variant (Variation ID: 3756662). Invitae Evidence Modeling of protein sequence and biophysical properties (such as structural, functional, and spatial information, amino acid conservation, physicochemical variation, residue mobility, and thermodynamic stability) indicates that this missense variant is not expected to disrupt SCN9A protein function with a negative predictive value of 80%. In summary, the available evidence is currently insufficient to determine the role of this variant in disease. Therefore, it has been classified as a Variant of Uncertain Significance.